The following is an entry in ClinVar:

NM_020751.3(COG6):c.1884T>G (p.Tyr628Ter)

Gene: COG6 (component of oligomeric golgi complex 6; plus strand). Cytogenetic location: 13q14.11.
Variant type: single nucleotide variant.
Coding change: c.1884T>G on transcript NM_020751.3 (MANE Select); coding-DNA position 1884, T replaced by G.
Protein change: p.Tyr628Ter; replaces tyrosine 628 with a stop codon.
Molecular consequence: nonsense. On other transcripts: non-coding transcript variant (1), intron variant (1).
Genome position (GRCh38, 1-based): chr13:39,751,003, T>G. VCF-style: chr13-39751003-T-G. GRCh37 (hg19) VCF-style: chr13-40325140-T-G.
Other names: c.1826+23455T>G (NM_001145079.2); short protein forms Y628*.
Identifiers: ClinVar variation 2576959 (VCV002576959.2), dbSNP rs2500752563, ClinGen allele CA388001458.

ClinVar aggregate classification (germline): Pathogenic (0 of 4 stars; one submission).

Conditions:
COG6-congenital disorder of glycosylation. Also called: COG6-CGD; COG6-ongenital disorder of glycosylation; CONGENITAL DISORDER OF GLYCOSYLATION, TYPE IIl; CDG IIl. Identifiers: Orphanet 464443, MedGen C3553230, MONDO:0013810, OMIM 614576.

gnomAD v4.1: 1 of 1,613,724 alleles (0.000062%); no homozygotes.

Submission:

Istanbul Faculty of Medicine, Istanbul University
Classification: Pathogenic for COG6-congenital disorder of glycosylation. Last evaluated: 2022-01-10. Review status: no assertion criteria provided. Collection method: clinical testing. Allele origin: germline. Affected: yes. Observed: 1 variant allele.
Comment: Lethal phenotype